The following is an entry in ClinVar:

NM_000284.4(PDHA1):c.530T>C (p.Ile177Thr)

Gene: PDHA1 (pyruvate dehydrogenase E1 subunit alpha 1; plus strand). Cytogenetic location: Xp22.12.
Variant type: single nucleotide variant.
Coding change: c.530T>C on transcript NM_000284.4 (MANE Select); coding-DNA position 530, T replaced by C.
Protein change: p.Ile177Thr; replaces isoleucine 177 with threonine.
Molecular consequence: missense variant. On other transcripts: intron variant (1).
Genome position (GRCh38, 1-based): chrX:19,354,510, T>C. VCF-style: chrX-19354510-T-C. GRCh37 (hg19) VCF-style: chrX-19372628-T-C.
Other names: c.551T>C, p.Ile184Thr (NM_001173455.2); c.511-839T>C (NM_001173456.2); c.644T>C, p.Ile215Thr (NM_001173454.2); short protein forms I177T, I184T, I215T.
Identifiers: ClinVar variation 4070338 (VCV004070338.1).

ClinVar aggregate classification (germline): Pathogenic (0 of 4 stars; one submission).

Conditions:
Pyruvate dehydrogenase E1-alpha deficiency (PDHAD). Also called: ATAXIA, INTERMITTENT, WITH PYRUVATE DEHYDROGENASE DEFICIENCY; ATAXIA WITH LACTIC ACIDOSIS I; ATAXIA, INTERMITTENT, WITH ABNORMAL PYRUVATE METABOLISM; Ataxia, intermittent, with pyruvate dehydrogenase, or decarboxylase, deficiency. Identifiers: Orphanet 79243, MedGen C1839413, MONDO:0010717, OMIM 312170.

Submission:

PDHA1 Study Group, University Children’s Hospital, Paracelsus Medical University
Classification: Pathogenic for Pyruvate dehydrogenase E1-alpha deficiency. Last evaluated: 2024-10-15. Review status: no assertion criteria provided. Collection method: research. Allele origin: germline. Affected: yes. Observed: 1 variant allele.
Comment: The NM_000284.3:c.530T>C (p.Ile177Thr) substitution is a missense variant in PDHA1 gene. The variant has been reported in 1 published case (PMIDs: 23021068, 8352855). Last literature search: July 12, 2024. This variant is absent or extremely rare in population-based cohorts in the Genome Aggregation Database (gnomAD). Individuals harboring this variant presented with clinical features compatible with PDHA1-related PDHc deficiency. In summary, this variant meets criteria to be classified as pathogenic (P) for PDHA1-related PDHc deficiency based on the ACMG/AMP criteria applied: PS3, PM1, PM2, PM7, PP3 (last assessment October 15, 2024).

Literature cited by the submitters: PubMed 23021068; PubMed 8352855; DOI 10.1093/brain/awaf430.